The following is an entry in ClinVar:

NM_001942.4(DSG1):c.1883A>G (p.Asp628Gly)

Genes: DSG1 (desmoglein 1; plus strand), DSG1-AS1 (DSG1 antisense RNA 1; minus strand). Cytogenetic location: 18q12.1.
Variant type: single nucleotide variant.
Coding change: c.1883A>G on transcript NM_001942.4 (MANE Select); coding-DNA position 1883, A replaced by G.
Protein change: p.Asp628Gly; replaces aspartic acid 628 with glycine.
Molecular consequence: missense variant.
Genome position (GRCh38, 1-based): chr18:31,343,987, A>G. VCF-style: chr18-31343987-A-G. GRCh37 (hg19) VCF-style: chr18-28923950-A-G.
Other names: short protein forms D628G.
Identifiers: ClinVar variation 1720780 (VCV001720780.5), dbSNP rs746988678, ClinGen allele CA8926208.

ClinVar aggregate classification (germline): Uncertain significance (1 of 4 stars; one submission).

Allele frequency attached by ClinVar (database versions not stated): gnomAD exomes below 0.00001; TOPMed below 0.00001; ExAC 0.00001; gnomAD 0.00001.

Submission:

Labcorp Genetics (formerly Invitae), Labcorp
Classification: Uncertain significance. Last evaluated: 2022-10-01. Review status: criteria provided, single submitter. Criteria: Invitae Variant Classification Sherloc (09022015). Collection method: clinical testing. Allele origin: germline.
Comment: This variant has not been reported in the literature in individuals affected with DSG1-related conditions. In summary, the available evidence is currently insufficient to determine the role of this variant in disease. Therefore, it has been classified as a Variant of Uncertain Significance. Algorithms developed to predict the effect of missense changes on protein structure and function are either unavailable or do not agree on the potential impact of this missense change (SIFT: "Deleterious"; PolyPhen-2: "Benign"; Align-GVGD: "Class C0"). This variant is present in population databases (rs746988678, gnomAD 0.007%). This sequence change replaces aspartic acid, which is acidic and polar, with glycine, which is neutral and non-polar, at codon 628 of the DSG1 protein (p.Asp628Gly).